The following is an entry in ClinVar:

ClinVar aggregate classification (germline): Pathogenic (1 of 4 stars; one submission).

Conditions:
Developmental and epileptic encephalopathy 94 (DEE94). Also called: Epileptic encephalopathy, childhood-onset; CHD2-Related Neurodevelopmental Disorders. Identifiers: Orphanet 1942, Orphanet 2382, MedGen C3809278, MONDO:0014150, OMIM 615369.

Submission:

Labcorp Genetics (formerly Invitae), Labcorp
Classification: Pathogenic for Developmental and epileptic encephalopathy 94. Last evaluated: 2023-06-29. Review status: criteria provided, single submitter. Criteria: Invitae Variant Classification Sherloc (09022015). Collection method: clinical testing. Allele origin: germline.
Comment: This variant has not been reported in the literature in individuals affected with CHD2-related conditions. This variant is not present in population databases (gnomAD no frequency). This sequence change creates a premature translational stop signal (p.Tyr232*) in the CHD2 gene. It is expected to result in an absent or disrupted protein product. Loss-of-function variants in CHD2 are known to be pathogenic (PMID: 23708187, 24207121). For these reasons, this variant has been classified as Pathogenic.

Literature cited by the submitters: PubMed 23708187; PubMed 24207121.

NM_001271.4(CHD2):c.696C>A (p.Tyr232Ter)

Gene: CHD2 (chromodomain helicase DNA binding protein 2; plus strand). Cytogenetic location: 15q26.1.
Variant type: single nucleotide variant.
Coding change: c.696C>A on transcript NM_001271.4 (MANE Select); coding-DNA position 696, C replaced by A.
Protein change: p.Tyr232Ter; replaces tyrosine 232 with a stop codon.
Molecular consequence: nonsense.
Genome position (GRCh38, 1-based): chr15:92,941,825, C>A. VCF-style: chr15-92941825-C-A. GRCh37 (hg19) VCF-style: chr15-93485055-C-A.
Other names: c.696C>A, p.Tyr232Ter (NM_001042572.3); short protein forms Y232*.
Identifiers: ClinVar variation 2732909 (VCV002732909.3), dbSNP rs1488871836, ClinGen allele CA393900593.